The following is an entry in ClinVar:

NM_014874.4(MFN2):c.970+1G>T

Gene: MFN2 (mitofusin 2; plus strand). Cytogenetic location: 1p36.22.
Variant type: single nucleotide variant.
Coding change: c.970+1G>T on transcript NM_014874.4 (MANE Select); the canonical splice donor site of the intron after coding-DNA position 970, G replaced by T.
Molecular consequence: splice donor variant.
Genome position (GRCh38, 1-based): chr1:12,001,555, G>T. VCF-style: chr1-12001555-G-T. GRCh37 (hg19) VCF-style: chr1-12061612-G-T.
Other names: c.970+1G>T (NM_001127660.2).
Identifiers: ClinVar variation 543207 (VCV000543207.7), dbSNP rs1553143890, ClinGen allele CA338442069.
Genomic context (GRCh38, chr1:12,001,555, plus strand): 5'-TGTCTGCTAAGGAGGTGCTCAACGCCAGGATTCAGAAAGCCCAGGGCATGCCTGAAGGAG[G>T]TAATGATGAGAACAGATGTCCTCCTTTTCTCTGATGTTTGAGACATTTTGTCTCGTGCTG-3'

ClinVar aggregate classification (germline): Likely pathogenic (1 of 4 stars; one submission).

Conditions:
Charcot-Marie-Tooth disease type 2. Also called: Charcot-Marie-Tooth type 2. Identifiers: Orphanet 64746, MedGen C0270914, MONDO:0018993.

Submission:

Labcorp Genetics (formerly Invitae), Labcorp
Classification: Likely pathogenic for Charcot-Marie-Tooth disease type 2. Last evaluated: 2023-06-30. Review status: criteria provided, single submitter. Criteria: Invitae Variant Classification Sherloc (09022015). Collection method: clinical testing. Allele origin: germline.
Comment: ClinVar contains an entry for this variant (Variation ID: 543207). In summary, the currently available evidence indicates that the variant is pathogenic, but additional data are needed to prove that conclusively. Therefore, this variant has been classified as Likely Pathogenic. Algorithms developed to predict the effect of sequence changes on RNA splicing suggest that this variant may disrupt the consensus splice site. Disruption of this splice site has been observed in individual(s) with clinical features of MFN2-related conditions (Invitae). This variant is not present in population databases (gnomAD no frequency). This sequence change affects a donor splice site in intron 9 of the MFN2 gene. It is expected to disrupt RNA splicing. Variants that disrupt the donor or acceptor splice site typically lead to a loss of protein function (PMID: 16199547), and loss-of-function variants in MFN2 are known to be pathogenic (PMID: 16714318, 16835246, 21715711, 23781337, 26955893).

Literature cited by the submitters: PubMed 16199547; PubMed 16714318; PubMed 16835246; PubMed 21715711; PubMed 23781337; PubMed 26955893.